The following is an entry in ClinVar:

NM_031942.5(CDCA7):c.445C>A (p.Leu149Ile)

Gene: CDCA7 (cell division cycle associated 7; plus strand). Cytogenetic location: 2q31.1.
Variant type: single nucleotide variant.
Coding change: c.445C>A on transcript NM_031942.5 (MANE Select); coding-DNA position 445, C replaced by A.
Protein change: p.Leu149Ile; replaces leucine 149 with isoleucine.
Molecular consequence: missense variant.
Genome position (GRCh38, 1-based): chr2:173,363,286, C>A. VCF-style: chr2-173363286-C-A. GRCh37 (hg19) VCF-style: chr2-174228014-C-A.
Other names: c.208C>A, p.Leu70Ile (NM_145810.3); short protein forms L149I, L70I.
Identifiers: ClinVar variation 1897201 (VCV001897201.4), dbSNP rs1456932401, ClinGen allele CA349324323.
Genomic context (GRCh38, chr2:173,363,286, plus strand): 5'-AGGCTGCAGTCAGTTCGGGAAGGCTGTAGGACCCGCAGCCAGTGCAGGCACTCTGGACCT[C>A]TCAGGGTGGCGATGAAGTTTCCAGCGCGGAGTACCAGGGGAGCAACCAACAAAAAAGCAG-3'
Protein context (NP_114148.3, residues 139-159): TRSQCRHSGP[Leu149Ile]RVAMKFPARS

ClinVar aggregate classification (germline): Uncertain significance (1 of 4 stars; one submission).

Allele frequency attached by ClinVar (database versions not stated): gnomAD exomes below 0.00001.

Submission:

Labcorp Genetics (formerly Invitae), Labcorp
Classification: Uncertain significance. Last evaluated: 2025-02-10. Review status: criteria provided, single submitter. Criteria: Invitae Variant Classification Sherloc (09022015). Collection method: clinical testing. Allele origin: germline.
Comment: This sequence change replaces leucine, which is neutral and non-polar, with isoleucine, which is neutral and non-polar, at codon 149 of the CDCA7 protein (p.Leu149Ile). This variant is present in population databases (no rsID available, gnomAD no frequency). This variant has not been reported in the literature in individuals affected with CDCA7-related conditions. ClinVar contains an entry for this variant (Variation ID: 1897201). Invitae Evidence Modeling of protein sequence and biophysical properties (such as structural, functional, and spatial information, amino acid conservation, physicochemical variation, residue mobility, and thermodynamic stability) indicates that this missense variant is not expected to disrupt CDCA7 protein function with a negative predictive value of 80%. In summary, the available evidence is currently insufficient to determine the role of this variant in disease. Therefore, it has been classified as a Variant of Uncertain Significance.